The following is an entry in ClinVar:

NM_001354969.2(MDM1):c.308C>T (p.Thr103Ile)

Gene: MDM1 (Mdm1 nuclear protein; minus strand). Cytogenetic location: 12q15.
Variant type: single nucleotide variant.
Coding change: c.308C>T on transcript NM_001354969.2 (MANE Select); coding-DNA position 308, C replaced by T.
Protein change: p.Thr103Ile; replaces threonine 103 with isoleucine.
Molecular consequence: missense variant. On other transcripts: 3 prime UTR variant (1), 5 prime UTR variant (4), intron variant (1).
Genome position (GRCh38, 1-based): chr12:68,326,847, G>A on the plus strand (C>T on the coding strand, the complement: MDM1 is on the minus strand). VCF-style: chr12-68326847-G-A. GRCh37 (hg19) VCF-style: chr12-68720627-G-A.
Other names: c.308C>T, p.Thr103Ile (NM_001205028.3, NM_017440.6, NM_020128.4); c.*587C>T (NM_001205029.3); c.293C>T, p.Thr98Ile (NM_001354970.2); c.-609C>T (NM_001354971.2); c.-533C>T (NM_001354972.2); c.-474C>T (NM_001354973.2); c.-1883C>T (NM_001368282.1); c.-342-1272C>T (NM_001354974.2); short protein forms T103I, T98I.
Identifiers: ClinVar variation 1247123 (VCV001247123.3), dbSNP rs962976, ClinGen allele CA6676916.

ClinVar aggregate classification (germline): Benign. Review status: criteria provided, multiple submitters, no conflicts (2 of 4 stars). 2 submissions from 2 submitters: Benign (2). Last evaluated 2020-04-29.

Allele frequency attached by ClinVar (database versions not stated): 1000 Genomes Project 0.67512; 1000 Genomes Project 30x 0.68488; gnomAD exomes 0.69341 and 0.71009; ExAC 0.69468; gnomAD 0.72581 and 0.73176; TOPMed 0.72803; ESP Exome Variant Server 0.73789.
gnomAD v4.1: 1,148,152 of 1,613,840 alleles (71%); highest among the groups gnomAD compares: African/African-American, 79%; 410,347 homozygotes.

Submissions (2):

GeneDx
Classification: Benign. Last evaluated: 2020-04-29. Review status: criteria provided, single submitter. Criteria: GeneDx Variant Classification Process June 2021. Collection method: clinical testing. Allele origin: germline. Affected: yes.
Comment: This variant is associated with the following publications: (PMID: 17903293)

Breakthrough Genomics
Classification: Benign. Review status: criteria provided, single submitter. Criteria: ACMG Guidelines, 2015. Collection method: not provided. Allele origin: germline. Inheritance: Unknown mechanism. Affected: yes.